The following is an entry in ClinVar:

ClinVar aggregate classification (germline): Likely benign. Review status: criteria provided, single submitter (1 of 4 stars). 2 submissions from 2 submitters: Likely benign (1). 1 of the submissions does not count toward it. Last evaluated 2025-08-31.

Conditions:
PLEC-related disorder. Also called: PLEC-related disorders; PLEC-related condition.
Epidermolysis bullosa simplex, Ogna type (EBS5A). Also called: Pidermolysis bullosa simplex 5A, Ogna type; EPIDERMOLYSIS BULLOSA SIMPLEX 5A, OGNA TYPE. Identifiers: Orphanet 79401, MedGen C0432317, MONDO:0007555, OMIM 131950.
Autosomal recessive limb-girdle muscular dystrophy type 2Q (LGMDR17). Also called: MUSCULAR DYSTROPHY, LIMB-GIRDLE, AUTOSOMAL RECESSIVE 17. Identifiers: Orphanet 254361, MedGen C3150989, MONDO:0013390, OMIM 613723.
Epidermolysis bullosa simplex 5B, with muscular dystrophy (EBS5B). Also called: EPIDERMOLYSIS BULLOSA SIMPLEX AND LIMB-GIRDLE MUSCULAR DYSTROPHY; Epidermolysis bullosa simplex with muscular dystrophy. Identifiers: Orphanet 257, MedGen C2931072, MONDO:0009181, OMIM 226670.
Epidermolysis bullosa simplex 5C, with pyloric atresia (EBS5C). Also called: PLEC1-Related Epidermolysis Bullosa with Pyloric Atresia; PLEC-Related Epidermolysis Bullosa with Pyloric Atresia; Epidermolysis bullosa simplex with pyloric atresia. Identifiers: Orphanet 158684, MedGen C2677349, MONDO:0012807, OMIM 612138.
Epidermolysis bullosa simplex with nail dystrophy (EBS5D). Identifiers: MedGen C4225309, MONDO:0014661, OMIM 616487.

Allele frequency attached by ClinVar (database versions not stated): ExAC 0.00003; gnomAD 0.00003 and 0.00004; gnomAD exomes 0.00005; TOPMed 0.00005.
gnomAD v4.1: 35 of 1,610,208 alleles (0.0022%); highest among the groups gnomAD compares: Admixed American, 0.013%; no homozygotes.

Submissions (2):

Labcorp Genetics (formerly Invitae), Labcorp
Classification: Likely benign for Autosomal recessive limb-girdle muscular dystrophy type 2Q; Epidermolysis bullosa simplex, Ogna type; Epidermolysis bullosa simplex with nail dystrophy; Epidermolysis bullosa simplex 5C, with pyloric atresia; Epidermolysis bullosa simplex 5B, with muscular dystrophy. Last evaluated: 2025-08-31. Review status: criteria provided, single submitter. Criteria: Invitae Variant Classification Sherloc (09022015). Collection method: clinical testing. Allele origin: germline.

PreventionGenetics, part of Exact Sciences
Classification: Likely benign for PLEC-related condition. Last evaluated: 2019-05-29. Review status: no assertion criteria provided. Collection method: clinical testing. Allele origin: germline. Not counted in ClinVar's aggregate classification.
Comment: This variant is classified as likely benign based on ACMG/AMP sequence variant interpretation guidelines (Richards et al. 2015 PMID: 25741868, with internal and published modifications).

NM_201384.3(PLEC):c.13443C>T (p.Ser4481=)

Gene: PLEC (plectin; minus strand). Cytogenetic location: 8q24.3.
Variant type: single nucleotide variant.
Coding change: c.13443C>T on transcript NM_201384.3 (MANE Select); coding-DNA position 13443, C replaced by T.
Protein change: p.Ser4481=; no amino-acid change (serine 4481 retained).
Molecular consequence: synonymous variant.
Genome position (GRCh38, 1-based): chr8:143,916,378, G>A on the plus strand (C>T on the coding strand, the complement: PLEC is on the minus strand). VCF-style: chr8-143916378-G-A. GRCh37 (hg19) VCF-style: chr8-144990546-G-A.
Other names: c.13524C>T, p.Ser4508= (NM_000445.5); c.13401C>T, p.Ser4467= (NM_201378.4); c.13377C>T, p.Ser4459= (NM_201379.3); c.13854C>T, p.Ser4618= (NM_201380.4); c.13347C>T, p.Ser4449= (NM_201381.3); c.13443C>T, p.Ser4481= (NM_201382.4); c.13455C>T, p.Ser4485= (NM_201383.3); c.13524C>T (NM_000445.4).
Identifiers: ClinVar variation 1146411 (VCV001146411.11), dbSNP rs201825355, ClinGen allele CA4923808.